The following is an entry in ClinVar:

ClinVar aggregate classification (germline): Pathogenic (1 of 4 stars; one submission).

Conditions:
Gorlin syndrome. Also called: Basal cell nevus syndrome; Nevoid Basal Cell Carcinoma Syndrome. Identifiers: Orphanet 377, MedGen C0004779, MONDO:0007187.

Submission:

Labcorp Genetics (formerly Invitae), Labcorp
Classification: Pathogenic for Gorlin syndrome. Last evaluated: 2025-06-22. Review status: criteria provided, single submitter. Criteria: Invitae Variant Classification Sherloc (09022015). Collection method: clinical testing. Allele origin: germline.
Comment: This sequence change creates a premature translational stop signal (p.Ile997Thrfs*52) in the PTCH1 gene. It is expected to result in an absent or disrupted protein product. Loss-of-function variants in PTCH1 are known to be pathogenic (PMID: 16301862, 16419085). This variant is not present in population databases (gnomAD no frequency). This variant has not been reported in the literature in individuals affected with PTCH1-related conditions. Algorithms developed to predict the effect of sequence changes on RNA splicing suggest that this variant may create or strengthen a splice site. For these reasons, this variant has been classified as Pathogenic.

Literature cited by the submitters: PubMed 16301862; PubMed 16419085.

NM_000264.5(PTCH1):c.2990del (p.Ile997fs)

Gene: PTCH1 (patched 1; minus strand). Cytogenetic location: 9q22.32.
Variant type: Deletion.
Coding change: c.2990del on transcript NM_000264.5 (MANE Select); coding-DNA position 2990, one base deleted (T; older notation c.2990delT).
Protein change: p.Ile997fs; shifts the reading frame from isoleucine 997.
Molecular consequence: frameshift variant. On other transcripts: non-coding transcript variant (1).
Genome position (GRCh38, 1-based): chr9:95,458,191, A deleted on the plus strand (T on the coding strand, the reverse complement: PTCH1 is on the minus strand). VCF-style (leftmost placement, unchanged base first): chr9-95458190-GA-G. GRCh37 (hg19) VCF-style: chr9-98220472-GA-G.
Other names: c.2792del, p.Ile931fs (NM_001083602.3); c.2987del, p.Ile996fs (NM_001083603.3); c.2537del, p.Ile846fs (NM_001083604.3, NM_001083605.3, NM_001083606.3 and 1 more transcripts); c.2834del, p.Ile945fs (NM_001354918.2); short protein forms I945fs, I931fs, I996fs, I846fs, I997fs.
Identifiers: ClinVar variation 4721816 (VCV004721816.1).